The following is an entry in ClinVar:

ClinVar aggregate classification (germline): Uncertain significance. Review status: criteria provided, multiple submitters, no conflicts (2 of 4 stars). 3 submissions from 3 submitters: Uncertain significance (3). Last evaluated 2025-11-10.

Conditions:
DICER1-related tumor predisposition. Also called: DICER1-related pleuropulmonary blastoma cancer predisposition syndrome; DICER1 syndrome. Identifiers: Orphanet 284343, MedGen C3839822, MONDO:0100216.
Hereditary cancer-predisposing syndrome. Also called: Tumor predisposition; Neoplastic Syndromes, Hereditary; Hereditary Cancer Syndrome; Hereditary neoplastic syndrome. Identifiers: Orphanet 140162, MedGen C0027672, MeSH D009386, MONDO:0015356.

gnomAD v4.1: 3 of 1,614,112 alleles (0.00019%); highest among the groups gnomAD compares: Non-Finnish European, 0.00025%; no homozygotes.

Submissions (3):

Labcorp Genetics (formerly Invitae), Labcorp
Classification: Uncertain significance for DICER1-related tumor predisposition. Last evaluated: 2025-11-10. Review status: criteria provided, single submitter. Criteria: Invitae Variant Classification Sherloc (09022015). Collection method: clinical testing. Allele origin: germline.
Comment: This sequence change replaces valine, which is neutral and non-polar, with leucine, which is neutral and non-polar, at codon 1211 of the DICER1 protein (p.Val1211Leu). This variant is not present in population databases (gnomAD no frequency). This variant has not been reported in the literature in individuals affected with DICER1-related conditions. ClinVar contains an entry for this variant (Variation ID: 479626). Invitae Evidence Modeling of protein sequence and biophysical properties (such as structural, functional, and spatial information, amino acid conservation, physicochemical variation, residue mobility, and thermodynamic stability) indicates that this missense variant is not expected to disrupt DICER1 protein function with a negative predictive value of 95%. In summary, the available evidence is currently insufficient to determine the role of this variant in disease. Therefore, it has been classified as a Variant of Uncertain Significance.

Quest Diagnostics Nichols Institute San Juan Capistrano
Classification: Uncertain significance. Last evaluated: 2025-09-11. Review status: criteria provided, single submitter. Criteria: Quest Diagnostics criteria. Collection method: clinical testing. Allele origin: unknown.
Comment: The DICER1 c.3631G>T (p.Val1211Leu) variant has not been reported in individuals with DICER1-related conditions in the published literature. This variant has not been reported in large, multi-ethnic general populations (Genome Aggregation Database). Analysis of this variant using bioinformatics tools for the prediction of the effect of amino acid changes on protein structure and function yielded predictions that this variant is benign. Based on the available information, we are unable to determine the clinical significance of this variant.

Ambry Genetics
Classification: Uncertain significance for Hereditary cancer-predisposing syndrome. Last evaluated: 2023-12-27. Review status: criteria provided, single submitter. Criteria: Ambry Variant Classification Scheme 2023. Collection method: clinical testing. Allele origin: germline.
Comment: The p.V1211L variant (also known as c.3631G>T), located in coding exon 20 of the DICER1 gene, results from a G to T substitution at nucleotide position 3631. The valine at codon 1211 is replaced by leucine, an amino acid with highly similar properties. This amino acid position is not well conserved in available vertebrate species. In addition, this alteration is predicted to be tolerated by in silico analysis. Since supporting evidence is limited at this time, the clinical significance of this alteration remains unclear.

NM_177438.3(DICER1):c.3631G>T (p.Val1211Leu)

Gene: DICER1 (dicer 1, ribonuclease III; minus strand). Cytogenetic location: 14q32.13.
Variant type: single nucleotide variant.
Coding change: c.3631G>T on transcript NM_177438.3 (MANE Select); coding-DNA position 3631, G replaced by T.
Protein change: p.Val1211Leu; replaces valine 1211 with leucine.
Molecular consequence: missense variant.
Genome position (GRCh38, 1-based): chr14:95,103,765, C>A on the plus strand (G>T on the coding strand, the complement: DICER1 is on the minus strand). VCF-style: chr14-95103765-C-A. GRCh37 (hg19) VCF-style: chr14-95570102-C-A.
Other names: c.3631G>T, p.Val1211Leu (NM_001195573.1, NM_001271282.3, NM_001291628.2 and 1 more transcripts); short protein forms V1211L.
Identifiers: ClinVar variation 479626 (VCV000479626.15), dbSNP rs764470378, ClinGen allele CA390874604.